The following is an entry in ClinVar:

NM_001099274.3(TINF2):c.376G>A (p.Val126Met)

Gene: TINF2 (TERF1 interacting nuclear factor 2; minus strand). Cytogenetic location: 14q12.
Variant type: single nucleotide variant.
Coding change: c.376G>A on transcript NM_001099274.3 (MANE Select); coding-DNA position 376, G replaced by A.
Protein change: p.Val126Met; replaces valine 126 with methionine.
Molecular consequence: missense variant.
Genome position (GRCh38, 1-based): chr14:24,241,698, C>T on the plus strand (G>A on the coding strand, the complement: TINF2 is on the minus strand). VCF-style: chr14-24241698-C-T. GRCh37 (hg19) VCF-style: chr14-24710904-C-T.
Other names: c.271G>A, p.Val91Met (NM_001363668.2); c.376G>A, p.Val126Met (NM_012461.3); short protein forms V91M, V126M.
Identifiers: ClinVar variation 3672022 (VCV003672022.2).
Genomic context (GRCh38, chr14:24,241,698, plus strand): 5'-GAAAATAGCCACATAATAGCCTTCAAACCAGTCTCACCTGCAGCTTCGAGGCCAAATCCA[C>T]AGGAGCCTCTGACAGCTGCTTCACCTGCTGGTAAAAAGTTTCCTGTGCCTCCAAAATCTT-3'
Protein context (NP_001092744.1, residues 116-136): QQVKQLSEAP[Val126Met]DLASKLQELE

ClinVar aggregate classification (germline): Uncertain significance (1 of 4 stars; one submission).

Conditions:
Dyskeratosis congenita. Identifiers: Orphanet 1775, MedGen C0265965, MONDO:0015780.

Submission:

Labcorp Genetics (formerly Invitae), Labcorp
Classification: Uncertain significance for Dyskeratosis congenita. Last evaluated: 2024-09-10. Review status: criteria provided, single submitter. Criteria: Invitae Variant Classification Sherloc (09022015). Collection method: clinical testing. Allele origin: germline.
Comment: This sequence change replaces valine, which is neutral and non-polar, with methionine, which is neutral and non-polar, at codon 126 of the TINF2 protein (p.Val126Met). This variant is not present in population databases (gnomAD no frequency). This variant has not been reported in the literature in individuals affected with TINF2-related conditions. An algorithm developed to predict the effect of missense changes on protein structure and function (PolyPhen-2) suggests that this variant is likely to be disruptive. In summary, the available evidence is currently insufficient to determine the role of this variant in disease. Therefore, it has been classified as a Variant of Uncertain Significance.